The following is an entry in ClinVar:

NM_014991.6(WDFY3):c.7523A>C (p.Gln2508Pro)

Gene: WDFY3 (WD repeat and FYVE domain containing 3; minus strand). Cytogenetic location: 4q21.23.
Variant type: single nucleotide variant.
Coding change: c.7523A>C on transcript NM_014991.6 (MANE Select); coding-DNA position 7523, A replaced by C.
Protein change: p.Gln2508Pro; replaces glutamine 2508 with proline.
Molecular consequence: missense variant.
Genome position (GRCh38, 1-based): chr4:84,721,491, T>G on the plus strand (A>C on the coding strand, the complement: WDFY3 is on the minus strand). VCF-style: chr4-84721491-T-G. GRCh37 (hg19) VCF-style: chr4-85642644-T-G.
Other names: short protein forms Q2508P.
Identifiers: ClinVar variation 5017985 (VCV005017985.1).

ClinVar aggregate classification (germline): Uncertain significance (1 of 4 stars; one submission).

gnomAD v4.1: 1 of 1,613,134 alleles (0.000062%); highest among the groups gnomAD compares: Non-Finnish European, 0.000085%; no homozygotes.

Submission:

GeneDx
Classification: Uncertain significance. Last evaluated: 2026-03-30. Review status: criteria provided, single submitter. Criteria: GeneDx Variant Classification Process June 2021. Collection method: clinical testing. Allele origin: germline.
Comment: Not observed at significant frequency in large population cohorts (gnomAD); In silico analysis suggests that this missense variant does not alter protein structure/function; Has not been previously published as pathogenic or benign to our knowledge